The following is an entry in ClinVar:

NM_004562.3(PRKN):c.101A>G (p.Gln34Arg)

Gene: PRKN (parkin RBR E3 ubiquitin protein ligase; minus strand). Cytogenetic location: 6q26.
Variant type: single nucleotide variant.
Coding change: c.101A>G on transcript NM_004562.3 (MANE Select); coding-DNA position 101, A replaced by G.
Protein change: p.Gln34Arg; replaces glutamine 34 with arginine.
Molecular consequence: missense variant.
Genome position (GRCh38, 1-based): chr6:162,443,380, T>C on the plus strand (A>G on the coding strand, the complement: PRKN is on the minus strand). VCF-style: chr6-162443380-T-C. GRCh37 (hg19) VCF-style: chr6-162864412-T-C.
Other names: p.Gln34Arg; c.101A>G, p.Gln34Arg (NM_013987.3, NM_013988.3); short protein forms Q34R.
Identifiers: ClinVar variation 468584 (VCV000468584.43), dbSNP rs148851677, ClinGen allele CA4090514.

ClinVar aggregate classification (germline): Benign/Likely benign. Review status: criteria provided, multiple submitters, no conflicts (2 of 4 stars). 7 submissions from 7 submitters: Benign (3); Likely benign (4). Last evaluated 2026-02-01.

Conditions:
Autosomal recessive juvenile Parkinson disease 2. Also called: PRKN-Related Early-Onset Parkinson Disease; PARKINSON DISEASE, JUVENILE, AUTOSOMAL RECESSIVE; Parkinson disease, juvenile, type 2; Parkinson disease autosomal recessive, early onset; Juvenile parkinsonism; Parkinsonism, early onset, with diurnal fluctuation. Identifiers: Orphanet 2828, MedGen C1868675, MONDO:0010820, OMIM 600116.

Allele frequency attached by ClinVar (database versions not stated): gnomAD exomes 0.00134 and 0.00292; ESP Exome Variant Server 0.00246; gnomAD 0.00303 and 0.00328; TOPMed 0.00323; ExAC 0.00343; 1000 Genomes Project 0.00819.
gnomAD v4.1: 2,503 of 1,612,808 alleles (0.16%); highest among the groups gnomAD compares: South Asian, 1.7%; 32 homozygotes.

Submissions (7):

CeGaT Center for Human Genetics Tuebingen
Classification: Benign. Last evaluated: 2026-02-01. Review status: criteria provided, single submitter. Criteria: CeGaT Center For Human Genetics Tuebingen Variant Classification Criteria Version 2. Collection method: clinical testing. Allele origin: germline. Affected: yes. Observed: 3 variant alleles.
Comment: PRKN: BS1, BS2

Labcorp Genetics (formerly Invitae), Labcorp
Classification: Benign. Last evaluated: 2026-01-07. Review status: criteria provided, single submitter. Criteria: Invitae Variant Classification Sherloc (09022015). Collection method: clinical testing. Allele origin: germline.

Mayo Clinic Laboratories, Mayo Clinic
Classification: Likely benign. Last evaluated: 2025-10-14. Review status: criteria provided, single submitter. Criteria: ACMG Guidelines, 2015. Collection method: clinical testing. Allele origin: germline. Observed: 1 variant allele.
Comment: BA1

Athena Diagnostics
Classification: Benign. Last evaluated: 2020-11-12. Review status: criteria provided, single submitter. Criteria: Athena Diagnostics criteria. Collection method: clinical testing. Allele origin: unknown.

Illumina Laboratory Services, Illumina
Classification: Likely benign for Autosomal recessive juvenile Parkinson disease 2. Last evaluated: 2017-04-28. Review status: criteria provided, single submitter. Criteria: ICSL Variant Classification Criteria 13 December 2019. Collection method: clinical testing. Allele origin: germline.
Comment: This variant was observed as part of a predisposition screen in an ostensibly healthy population. A literature search was performed for the gene, cDNA change, and amino acid change (where applicable). Publications were found based on this search. The evidence from the literature, in combination with allele frequency data from public databases where available, was sufficient to determine this variant is unlikely to cause disease. Therefore, this variant is classified as likely benign.

Breakthrough Genomics
Classification: Likely benign. Review status: criteria provided, single submitter. Criteria: ACMG Guidelines, 2015. Collection method: not provided. Allele origin: germline. Inheritance: Autosomal recessive inheritance. Affected: yes.

Broad Center for Mendelian Genomics, Broad Institute of MIT and Harvard
Classification: Likely benign for Autosomal recessive juvenile Parkinson disease 2. Review status: criteria provided, single submitter. Criteria: ACMG Guidelines, 2015. Collection method: research. Allele origin: germline. Inheritance: Autosomal recessive inheritance. Affected: yes.
Comment: The heterozygous p.Gln34Arg variant in PARK2 has been identified in at least 5 individuals with Parkinson disease (PMID: 16793319, 22766139), but also has been identified in >1% of South Asian chromosomes and 7 homozygotes by ExAC. In vitro functional studies provide some evidence that the p.Gln34Arg variant may not impact protein structure (PMID: 21348451). However, these types of assays may not accurately represent biological function. In summary, although additional studies are required to fully establish its clinical significance, this variant meets criteria to be classified as likely benign for Parkinson disease.

Literature cited by the submitters: PubMed 16500134 (cited by Athena Diagnostics and Illumina Laboratory Services, Illumina); PubMed 16793319 (cited by 3 submitters); PubMed 18514563 (cited by Athena Diagnostics and Illumina Laboratory Services, Illumina); PubMed 19087301 (cited by Athena Diagnostics); PubMed 21348451 (cited by 3 submitters); PubMed 26274610 (cited by Athena Diagnostics and Illumina Laboratory Services, Illumina); PubMed 31429726 (cited by Athena Diagnostics); PubMed 21996382 (cited by Athena Diagnostics and Illumina Laboratory Services, Illumina); PubMed 22766139 (cited by 3 submitters); PubMed 22995991 (cited by Illumina Laboratory Services, Illumina and Broad Center for Mendelian Genomics, Broad Institute of MIT and Harvard); PubMed 25558820 (cited by Illumina Laboratory Services, Illumina); PubMed 25174650 (cited by Illumina Laboratory Services, Illumina).